The following is an entry in ClinVar:

ClinVar aggregate classification (germline): Likely pathogenic. Review status: criteria provided, multiple submitters, no conflicts (2 of 4 stars). 4 submissions from 3 submitters: Likely pathogenic (2). 2 of the submissions do not count toward it. Last evaluated 2023-09-30.

Conditions:
Heimler syndrome 1 (HMLR1). Also called: PEROXISOME BIOGENESIS DISORDER 1C. Identifiers: Orphanet 3220, MedGen C4551980, OMIM 234580, MONDO:0024544.
Zellweger spectrum disorders (ZS). Also called: Zellweger Spectrum Disorder (ZSD); Zellweger Spectrum Disorder; Zellweger Spectrum; Zellweger syndrome. Identifiers: Orphanet 912, MedGen C0043459, MONDO:0019609.
Peroxisome biogenesis disorder 1B (PBD1B). Also called: Refsum disease, infantile form; Infantile Refsum disease; Infantile form of phytanic acid storage disease; PEROXISOME BIOGENESIS DISORDER (NEONATAL ADRENOLEUKODYSTROPHY/INFANTILE REFSUM DISEASE); INFANTILE PHYTANIC ACID STORAGE DISEASE; PEROXISOME BIOGENESIS DISORDER (NALD/IRD). Identifiers: Orphanet 44, MedGen C0282527, MONDO:0011101, OMIM 601539.
Peroxisome biogenesis disorder 1A (Zellweger) (PBD1A). Also called: Zellweger leukodystrophy; Peroxisome biogenesis disorder 1a. Identifiers: MedGen C4721541, MONDO:0008953, OMIM 214100.

Allele frequency attached by ClinVar (database versions not stated): gnomAD exomes below 0.00001.
gnomAD v4.1: 1 of 1,376,612 alleles (0.000073%); highest among the groups gnomAD compares: Non-Finnish European, 0.0001%; no homozygotes.

Submissions (4):

Baylor Genetics
Classification: Likely pathogenic for Heimler syndrome 1. Last evaluated: 2023-09-30. Review status: criteria provided, single submitter. Criteria: ACMG Guidelines, 2015. Collection method: clinical testing. Allele origin: unknown.

Labcorp Genetics (formerly Invitae), Labcorp
Classification: Likely pathogenic for Zellweger syndrome. Last evaluated: 2019-06-24. Review status: criteria provided, single submitter. Criteria: Invitae Variant Classification Sherloc (09022015). Collection method: clinical testing. Allele origin: germline.
Comment: This sequence change affects a donor splice site in intron 8 of the PEX1 gene. It is expected to disrupt RNA splicing and likely results in an absent or disrupted protein product. This variant is not present in population databases (ExAC no frequency). This variant has not been reported in the literature in individuals with PEX1-related conditions. ClinVar contains an entry for this variant (Variation ID: 371701). Algorithms developed to predict the effect of sequence changes on RNA splicing suggest that this variant may disrupt the consensus splice site, but this prediction has not been confirmed by published transcriptional studies. Donor and acceptor splice site variants typically lead to a loss of protein function (PMID: 16199547), and loss-of-function variants in PEX1 are known to be pathogenic (PMID: 9398847, 16086329, 16141001, 21031596). In summary, the currently available evidence indicates that the variant is pathogenic, but additional data are needed to prove that conclusively. Therefore, this variant has been classified as Likely Pathogenic.

Counsyl
Classification: Likely pathogenic for Peroxisome biogenesis disorder 1A (Zellweger). Last evaluated: 2016-01-18. Review status: no assertion criteria provided. Collection method: clinical testing. Allele origin: unknown. Not counted in ClinVar's aggregate classification.

Counsyl
Classification: Likely pathogenic for Peroxisome biogenesis disorder 1B. Last evaluated: 2016-01-18. Review status: no assertion criteria provided. Collection method: clinical testing. Allele origin: unknown. Not counted in ClinVar's aggregate classification.

Literature cited by the submitters: PubMed 9398847 (cited by Labcorp Genetics (formerly Invitae), Labcorp); PubMed 16141001 (cited by Labcorp Genetics (formerly Invitae), Labcorp); PubMed 21031596 (cited by Labcorp Genetics (formerly Invitae), Labcorp); PubMed 16086329 (cited by Labcorp Genetics (formerly Invitae), Labcorp).

NM_000466.3(PEX1):c.1587+1G>A

Gene: PEX1 (peroxisomal biogenesis factor 1; minus strand). Cytogenetic location: 7q21.2.
Variant type: single nucleotide variant.
Coding change: c.1587+1G>A on transcript NM_000466.3 (MANE Select); the canonical splice donor site of the intron after coding-DNA position 1587, G replaced by A.
Molecular consequence: splice donor variant.
Genome position (GRCh38, 1-based): chr7:92,510,943, C>T on the plus strand (G>A on the coding strand, the complement: PEX1 is on the minus strand). VCF-style: chr7-92510943-C-T. GRCh37 (hg19) VCF-style: chr7-92140257-C-T.
Other names: c.1587+1G>A (NM_001282677.2); c.963+1G>A (NM_001282678.2).
Identifiers: ClinVar variation 371701 (VCV000371701.5), dbSNP rs1057517469, ClinGen allele CA16041164.